The following is an entry in ClinVar:

ClinVar aggregate classification (germline): Uncertain significance (1 of 4 stars; one submission).

Conditions:
Hypertrophic cardiomyopathy. Also called: HYPERTROPHIC MYOCARDIOPATHY. Identifiers: Orphanet 217569, MedGen C0007194, MeSH D002312, MONDO:0005045, HP:0001639.

Submission:

Labcorp Genetics (formerly Invitae), Labcorp
Classification: Uncertain significance for Hypertrophic cardiomyopathy. Last evaluated: 2024-10-30. Review status: criteria provided, single submitter. Criteria: Invitae Variant Classification Sherloc (09022015). Collection method: clinical testing. Allele origin: germline.
Comment: This sequence change replaces valine, which is neutral and non-polar, with leucine, which is neutral and non-polar, at codon 133 of the MYH7 protein (p.Val133Leu). This variant is not present in population databases (gnomAD no frequency). This variant has not been reported in the literature in individuals affected with MYH7-related conditions. Invitae Evidence Modeling of protein sequence and biophysical properties (such as structural, functional, and spatial information, amino acid conservation, physicochemical variation, residue mobility, and thermodynamic stability) indicates that this missense variant is expected to disrupt MYH7 protein function with a positive predictive value of 95%. In summary, the available evidence is currently insufficient to determine the role of this variant in disease. Therefore, it has been classified as a Variant of Uncertain Significance.

NM_000257.4(MYH7):c.397G>C (p.Val133Leu)

Gene: MYH7 (myosin heavy chain 7; minus strand). Cytogenetic location: 14q11.2.
Variant type: single nucleotide variant.
Coding change: c.397G>C on transcript NM_000257.4 (MANE Select); coding-DNA position 397, G replaced by C.
Protein change: p.Val133Leu; replaces valine 133 with leucine.
Molecular consequence: missense variant.
Genome position (GRCh38, 1-based): chr14:23,432,744, C>G on the plus strand (G>C on the coding strand, the complement: MYH7 is on the minus strand). VCF-style: chr14-23432744-C-G. GRCh37 (hg19) VCF-style: chr14-23901953-C-G.
Other names: c.397G>C, p.Val133Leu (NM_001407004.1); short protein forms V133L.
Identifiers: ClinVar variation 3707903 (VCV003707903.2).